The following is an entry in ClinVar:

NM_004738.5(VAPB):c.691T>C (p.Phe231Leu)

Gene: VAPB (VAMP associated protein B and C; plus strand). Cytogenetic location: 20q13.32.
Variant type: single nucleotide variant.
Coding change: c.691T>C on transcript NM_004738.5 (MANE Select); coding-DNA position 691, T replaced by C.
Protein change: p.Phe231Leu; replaces phenylalanine 231 with leucine.
Molecular consequence: missense variant. On other transcripts: 3 prime UTR variant (1), non-coding transcript variant (1).
Genome position (GRCh38, 1-based): chr20:58,444,194, T>C. VCF-style: chr20-58444194-T-C. GRCh37 (hg19) VCF-style: chr20-57019250-T-C.
Other names: c.*29T>C (NM_001195677.2); short protein forms F231L.
Identifiers: ClinVar variation 2927551 (VCV002927551.3), dbSNP rs1225692453, ClinGen allele CA409440337.

ClinVar aggregate classification (germline): Uncertain significance (1 of 4 stars; one submission).

Conditions:
Amyotrophic lateral sclerosis type 8 (ALS8). Identifiers: Orphanet 803, MedGen C1837728, MONDO:0012077, OMIM 608627.
Adult-onset proximal spinal muscular atrophy, autosomal dominant. Also called: FINKEL LATE-ADULT TYPE SMA; Spinal muscular atrophy, late-onset, finkel type. Identifiers: Orphanet 209335, MedGen C1854058, MONDO:0008453, OMIM 182980.

Allele frequency attached by ClinVar (database versions not stated): TOPMed below 0.00001; gnomAD 0.00001; gnomAD exomes 0.00001.
gnomAD v4.1: 14 of 1,614,108 alleles (0.00087%); highest among the groups gnomAD compares: African/African-American, 0.0013%; no homozygotes.

Submission:

Labcorp Genetics (formerly Invitae), Labcorp
Classification: Uncertain significance for Adult-onset proximal spinal muscular atrophy, autosomal dominant; Amyotrophic lateral sclerosis type 8. Last evaluated: 2025-02-24. Review status: criteria provided, single submitter. Criteria: Invitae Variant Classification Sherloc (09022015). Collection method: clinical testing. Allele origin: germline.
Comment: This sequence change replaces phenylalanine, which is neutral and non-polar, with leucine, which is neutral and non-polar, at codon 231 of the VAPB protein (p.Phe231Leu). This variant is present in population databases (no rsID available, gnomAD 0.004%). This variant has not been reported in the literature in individuals affected with VAPB-related conditions. ClinVar contains an entry for this variant (Variation ID: 2927551). Invitae Evidence Modeling of protein sequence and biophysical properties (such as structural, functional, and spatial information, amino acid conservation, physicochemical variation, residue mobility, and thermodynamic stability) indicates that this missense variant is not expected to disrupt VAPB protein function with a negative predictive value of 80%. In summary, the available evidence is currently insufficient to determine the role of this variant in disease. Therefore, it has been classified as a Variant of Uncertain Significance.